The following is an entry in ClinVar:

NM_001369.3(DNAH5):c.3760C>T (p.Arg1254Trp)

Genes: DNAH5 (dynein axonemal heavy chain 5; minus strand), DNAH5-AS1 (DNAH5 antisense RNA 1; plus strand). Cytogenetic location: 5p15.2.
Variant type: single nucleotide variant.
Coding change: c.3760C>T on transcript NM_001369.3 (MANE Select); coding-DNA position 3760, C replaced by T.
Protein change: p.Arg1254Trp; replaces arginine 1254 with tryptophan.
Molecular consequence: missense variant.
Genome position (GRCh38, 1-based): chr5:13,870,841, G>A on the plus strand (C>T on the coding strand, the complement: DNAH5 is on the minus strand). VCF-style: chr5-13870841-G-A. GRCh37 (hg19) VCF-style: chr5-13870950-G-A.
Other names: short protein forms R1254W.
Identifiers: ClinVar variation 853385 (VCV000853385.9), dbSNP rs749162833, ClinGen allele CA3204181.

ClinVar aggregate classification (germline): Conflicting classifications of pathogenicity. Review status: criteria provided, conflicting classifications (1 of 4 stars). 3 submissions from 3 submitters: Uncertain significance (1); Likely benign (1). 1 of the submissions does not count toward it. Last evaluated 2025-12-14.

Conditions:
Primary ciliary dyskinesia. Also called: Ciliary dyskinesia. Identifiers: Orphanet 244, MedGen C0008780, MONDO:0016575, HP:0012265.

Allele frequency attached by ClinVar (database versions not stated): gnomAD exomes 0.00005; gnomAD 0.00018 and 0.00021; TOPMed 0.00028.
gnomAD v4.1: 106 of 1,613,678 alleles (0.0066%); highest among the groups gnomAD compares: Admixed American, 0.037%; no homozygotes.

Submissions (3):

Labcorp Genetics (formerly Invitae), Labcorp
Classification: Likely benign for Primary ciliary dyskinesia. Last evaluated: 2025-12-14. Review status: criteria provided, single submitter. Criteria: Invitae Variant Classification Sherloc (09022015). Collection method: clinical testing. Allele origin: germline.

Ambry Genetics
Classification: Uncertain significance for Primary ciliary dyskinesia. Last evaluated: 2014-08-05. Review status: criteria provided, single submitter. Criteria: Ambry Variant Classification Scheme 2023. Collection method: clinical testing. Allele origin: germline.
Comment: The p.R1254W variant (also known as c.3760C>T), located in coding exon 24 of the DNAH5 gene, results from a C to T substitution at nucleotide position 3760. The arginine at codon 1254 is replaced by tryptophan, an amino acid with dissimilar properties. This variant was not reported in population based cohorts in the following databases: Database of Single Nucleotide Polymorphisms (dbSNP), NHLBI Exome Sequencing Project (ESP), and 1000 Genomes Project. In the ESP, this variant was not observed in 6503 samples (13006 alleles) with coverage at this position. This amino acid position is highly conserved in available vertebrate species. However, tryptophan is the reference amino acid in orangutan. In addition, the in silico prediction for this alteration is inconclusive. Since supporting evidence is limited at this time, the clinical significance of this variant remains unclear.

Natera, Inc.
Classification: Uncertain significance for Primary ciliary dyskinesia. Last evaluated: 2020-01-17. Review status: no assertion criteria provided. Collection method: clinical testing. Allele origin: germline. Not counted in ClinVar's aggregate classification.